The following is an entry in ClinVar:

ClinVar aggregate classification (germline): Uncertain significance (1 of 4 stars; one submission).

gnomAD v4.1: 3 of 1,610,722 alleles (0.00019%); highest among the groups gnomAD compares: Admixed American, 0.0051%; no homozygotes.

Submission:

Labcorp Genetics (formerly Invitae), Labcorp
Classification: Uncertain significance. Last evaluated: 2025-10-01. Review status: criteria provided, single submitter. Criteria: Invitae Variant Classification Sherloc (09022015). Collection method: clinical testing. Allele origin: germline.
Comment: This sequence change replaces serine, which is neutral and polar, with asparagine, which is neutral and polar, at codon 236 of the NUP133 protein (p.Ser236Asn). This variant is not present in population databases (gnomAD no frequency). This variant has not been reported in the literature in individuals affected with NUP133-related conditions. ClinVar contains an entry for this variant (Variation ID: 1915793). An algorithm developed to predict the effect of missense changes on protein structure and function outputs the following: PolyPhen-2: "Benign". The asparagine amino acid residue is found in multiple mammalian species, which suggests that this missense change does not adversely affect protein function. In summary, the available evidence is currently insufficient to determine the role of this variant in disease. Therefore, it has been classified as a Variant of Uncertain Significance.

NM_018230.3(NUP133):c.707G>A (p.Ser236Asn)

Gene: NUP133 (nucleoporin 133; minus strand). Cytogenetic location: 1q42.13.
Variant type: single nucleotide variant.
Coding change: c.707G>A on transcript NM_018230.3 (MANE Select); coding-DNA position 707, G replaced by A.
Protein change: p.Ser236Asn; replaces serine 236 with asparagine.
Molecular consequence: missense variant.
Genome position (GRCh38, 1-based): chr1:229,498,248, C>T on the plus strand (G>A on the coding strand, the complement: NUP133 is on the minus strand). VCF-style: chr1-229498248-C-T. GRCh37 (hg19) VCF-style: chr1-229633995-C-T.
Other names: short protein forms S236N.
Identifiers: ClinVar variation 1915793 (VCV001915793.5), dbSNP rs1661704436, ClinGen allele CA345168510.